The following is an entry in ClinVar:

ClinVar aggregate classification (germline): Uncertain significance (1 of 4 stars; one submission).

gnomAD v4.1: 7 of 1,612,858 alleles (0.00043%); highest among the groups gnomAD compares: Non-Finnish European, 0.00059%; no homozygotes.

Submission:

Ambry Genetics
Classification: Uncertain significance. Last evaluated: 2024-03-09. Review status: criteria provided, single submitter. Criteria: Ambry Variant Classification Scheme 2023. Collection method: clinical testing. Allele origin: germline.
Comment: The p.N336D variant (also known as c.1006A>G), located in coding exon 5 of the MNDA gene, results from an A to G substitution at nucleotide position 1006. The asparagine at codon 336 is replaced by aspartic acid, an amino acid with highly similar properties. This amino acid position is conserved. In addition, this alteration is predicted to be tolerated by in silico analysis. Since supporting evidence is limited at this time, the clinical significance of this alteration remains unclear.

NM_002432.3(MNDA):c.1006A>G (p.Asn336Asp)

Gene: MNDA (myeloid cell nuclear differentiation antigen; plus strand). Cytogenetic location: 1q23.1.
Variant type: single nucleotide variant.
Coding change: c.1006A>G on transcript NM_002432.3 (MANE Select); coding-DNA position 1006, A replaced by G.
Protein change: p.Asn336Asp; replaces asparagine 336 with aspartic acid.
Molecular consequence: missense variant.
Genome position (GRCh38, 1-based): chr1:158,847,746, A>G. VCF-style: chr1-158847746-A-G. GRCh37 (hg19) VCF-style: chr1-158817536-A-G.
Other names: short protein forms N336D.
Identifiers: ClinVar variation 1784175 (VCV001784175.2), dbSNP rs539078156, ClinGen allele CA343043691.
Genomic context (GRCh38, chr1:158,847,746, plus strand): 5'-TAACAATCCTCTCAGAAACAGGATGTTAATCTTCTTTTGCAGAAAAGCGTACACAAGAAG[A>G]ACACAATTTATGAAATACAGGATAATACAGGATCCATGGATGTAGTGGGGAGTGGAAAAT-3'
Protein context (NP_002423.1, residues 326-346): MLQKKSVHKK[Asn336Asp]TIYEIQDNTG